The following is an entry in ClinVar:

ClinVar aggregate classification (germline): Uncertain significance (1 of 4 stars; one submission).

Conditions:
Cardiomyopathy (CMYO). Also called: Cardiomyopathies. Identifiers: Orphanet 167848, MedGen C0878544, MONDO:0004994, HP:0001638. Inheritance: Various modes of inheritance.

Submission:

Color Diagnostics, LLC DBA Color Health
Classification: Uncertain significance for Cardiomyopathy. Last evaluated: 2025-08-25. Review status: criteria provided, single submitter. Criteria: ACMG Guidelines, 2015. Collection method: clinical testing. Allele origin: germline.
Comment: This missense variant replaces proline with serine at codon 29 of the ACTC1 protein. Computational prediction suggests that this variant may have deleterious impact on protein structure and function. To our knowledge, functional studies have not been reported for this variant. This variant has not been reported in individuals affected with ACTC1-related disorders in the literature. This variant has not been identified in the general population by the Genome Aggregation Database (gnomAD). The available evidence is insufficient to determine the role of this variant in disease conclusively. Therefore, this variant is classified as a Variant of Uncertain Significance.

NM_005159.5(ACTC1):c.85C>T (p.Pro29Ser)

Genes: ACTC1 (actin alpha cardiac muscle 1; minus strand), GJD2-DT (GJD2 divergent transcript; plus strand). Cytogenetic location: 15q14.
Variant type: single nucleotide variant.
Coding change: c.85C>T on transcript NM_005159.5 (MANE Select); coding-DNA position 85, C replaced by T.
Protein change: p.Pro29Ser; replaces proline 29 with serine.
Molecular consequence: missense variant.
Genome position (GRCh38, 1-based): chr15:34,794,724, G>A on the plus strand (C>T on the coding strand, the complement: ACTC1 is on the minus strand). VCF-style: chr15-34794724-G-A. GRCh37 (hg19) VCF-style: chr15-35086925-G-A.
Other names: c.85C>T, p.Pro29Ser (NM_001406482.1, NM_001406483.1); short protein forms P29S.
Identifiers: ClinVar variation 4758029 (VCV004758029.1).
Genomic context (GRCh38, chr15:34,794,724, plus strand): 5'-TCGGCGGGAAGTTTACCTGGTGCCGCGGGCGGCCCACGATGGACGGGAAGACAGCGCGGG[G>A]CGCGTCATCGCCCGCAAAGCCGGCCTTCACCAGCCCAGAGCCGTTGTCGCACACCAGGGC-3'
Protein context (NP_005150.1, residues 19-39): VKAGFAGDDA[Pro29Ser]RAVFPSIVGR